The following is an entry in ClinVar:

NM_004360.5(CDH1):c.811G>C (p.Val271Leu)

Gene: CDH1 (cadherin 1; plus strand). Cytogenetic location: 16q22.1.
Variant type: single nucleotide variant.
Coding change: c.811G>C on transcript NM_004360.5 (MANE Select); coding-DNA position 811, G replaced by C.
Protein change: p.Val271Leu; replaces valine 271 with leucine.
Molecular consequence: missense variant. On other transcripts: 5 prime UTR variant (2).
Genome position (GRCh38, 1-based): chr16:68,810,320, G>C. VCF-style: chr16-68810320-G-C. GRCh37 (hg19) VCF-style: chr16-68844223-G-C.
Other names: c.811G>C, p.Val271Leu (NM_001317184.2); c.-805G>C (NM_001317185.2); c.-1009G>C (NM_001317186.2); short protein forms V271L.
Identifiers: ClinVar variation 4632498 (VCV004632498.1).

ClinVar aggregate classification (germline): Uncertain significance (1 of 4 stars; one submission).

Conditions:
Hereditary cancer-predisposing syndrome. Also called: Neoplastic Syndromes, Hereditary; Tumor predisposition; Hereditary Cancer Syndrome; Hereditary neoplastic syndrome. Identifiers: Orphanet 140162, MedGen C0027672, MeSH D009386, MONDO:0015356.

Submission:

Ambry Genetics
Classification: Uncertain significance for Hereditary cancer-predisposing syndrome. Last evaluated: 2025-09-30. Review status: criteria provided, single submitter. Criteria: Ambry Variant Classification Scheme 2023. Collection method: clinical testing. Allele origin: germline.
Comment: The p.V271L variant (also known as c.811G>C), located in coding exon 6 of the CDH1 gene, results from a G to C substitution at nucleotide position 811. The valine at codon 271 is replaced by leucine, an amino acid with highly similar properties. This amino acid position is well conserved in available vertebrate species. In addition, the in silico prediction for this alteration is inconclusive. Based on the available evidence, the clinical significance of this variant remains unclear.